The following is an entry in ClinVar:

ClinVar aggregate classification (germline): Uncertain significance. Review status: criteria provided, multiple submitters, no conflicts (2 of 4 stars). 2 submissions from 2 submitters: Uncertain significance (2). Last evaluated 2026-01-04.

Conditions:
Combined immunodeficiency due to ORAI1 deficiency. Also called: IMMUNODEFICIENCY 9. Identifiers: Orphanet 169090, Orphanet 317428, MedGen C2748568, MONDO:0013007, OMIM 612782.
Myopathy, tubular aggregate, 2 (TAM2). Identifiers: MedGen C4014557, MONDO:0014383, OMIM 615883.

Allele frequency attached by ClinVar (database versions not stated): ExAC 0.00003; TOPMed 0.00003; gnomAD exomes 0.00006 and 0.00007; gnomAD 0.00008 and 0.00009.

Submissions (2):

Labcorp Genetics (formerly Invitae), Labcorp
Classification: Uncertain significance for Myopathy, tubular aggregate, 2; Combined immunodeficiency due to ORAI1 deficiency. Last evaluated: 2026-01-04. Review status: criteria provided, single submitter. Criteria: Invitae Variant Classification Sherloc (09022015). Collection method: clinical testing. Allele origin: germline.
Comment: This sequence change replaces threonine, which is neutral and polar, with proline, which is neutral and non-polar, at codon 51 of the ORAI1 protein (p.Thr51Pro). This variant is present in population databases (rs782810452, gnomAD 0.02%). This variant has not been reported in the literature in individuals affected with ORAI1-related conditions. ClinVar contains an entry for this variant (Variation ID: 1039729). Experimental studies and prediction algorithms are not available or were not evaluated, and the functional significance of this variant is currently unknown. In summary, the available evidence is currently insufficient to determine the role of this variant in disease. Therefore, it has been classified as a Variant of Uncertain Significance.

CeGaT Center for Human Genetics Tuebingen
Classification: Uncertain significance. Last evaluated: 2024-03-01. Review status: criteria provided, single submitter. Criteria: CeGaT Center For Human Genetics Tuebingen Variant Classification Criteria Version 2. Collection method: clinical testing. Allele origin: germline. Affected: yes. Observed: 1 variant allele.
Comment: ORAI1: PM2

NC_000012.12:g.121626898A>C

Genes: ORAI1 (ORAI calcium release-activated calcium modulator 1; plus strand), LOC130008987 (ATAC-STARR-seq lymphoblastoid silent region 4981; plus strand). Cytogenetic location: 12q24.31.
Variant type: single nucleotide variant.
Genome position: GRCh38 VCF-style: chr12-121626898-A-C. GRCh37 (hg19) VCF-style: chr12-122064804-A-C.
Other names: c.151A>C, p.Thr51Pro (NM_032790.4); short protein forms T51P.
Identifiers: ClinVar variation 1039729 (VCV001039729.28), dbSNP rs782810452, ClinGen allele CA244608433.